The following is an entry in ClinVar:

ClinVar aggregate classification (germline): Likely benign (1 of 4 stars; one submission).

Allele frequency attached by ClinVar (database versions not stated): gnomAD exomes 0.00002; TOPMed 0.00002; gnomAD 0.00005; ExAC 0.00007; 1000 Genomes Project 30x 0.00031; 1000 Genomes Project 0.00040.
gnomAD v4.1: 40 of 1,613,994 alleles (0.0025%); highest among the groups gnomAD compares: East Asian, 0.082%; no homozygotes.

Submission:

CeGaT Center for Human Genetics Tuebingen
Classification: Likely benign. Last evaluated: 2022-07-01. Review status: criteria provided, single submitter. Criteria: CeGaT Center For Human Genetics Tuebingen Variant Classification Criteria Version 2. Collection method: clinical testing. Allele origin: germline. Affected: yes. Observed: 1 variant allele.
Comment: FAT1: BP4, BP7

NM_005245.4(FAT1):c.4959G>A (p.Val1653=)

Gene: FAT1 (FAT atypical cadherin 1; minus strand). Cytogenetic location: 4q35.2.
Variant type: single nucleotide variant.
Coding change: c.4959G>A on transcript NM_005245.4 (MANE Select); coding-DNA position 4959, G replaced by A.
Protein change: p.Val1653=; no amino-acid change (valine 1653 retained).
Molecular consequence: synonymous variant.
Genome position (GRCh38, 1-based): chr4:186,621,627, C>T on the plus strand (G>A on the coding strand, the complement: FAT1 is on the minus strand). VCF-style: chr4-186621627-C-T. GRCh37 (hg19) VCF-style: chr4-187542781-C-T.
Identifiers: ClinVar variation 2655229 (VCV002655229.24), dbSNP rs553956149, ClinGen allele CA3166558.